The following is an entry in ClinVar:

ClinVar aggregate classification (germline): Uncertain significance. Review status: criteria provided, single submitter (1 of 4 stars). 2 submissions from 2 submitters: Uncertain significance (1). 1 of the submissions does not count toward it. Last evaluated 2023-11-27.

Conditions:
Atrioventricular septal defect 4 (AVSD4). Identifiers: MedGen C3280781, MONDO:0013747, OMIM 614430.
Atrial septal defect 2 (ASD2). Identifiers: Orphanet 1478, MedGen C1842778, MONDO:0011938, OMIM 607941.

Allele frequency attached by ClinVar (database versions not stated): gnomAD exomes below 0.00001.
gnomAD v4.1: 3 of 1,613,784 alleles (0.00019%); highest among the groups gnomAD compares: African/African-American, 0.0013%; no homozygotes.

Submissions (2):

Labcorp Genetics (formerly Invitae), Labcorp
Classification: Uncertain significance for Atrioventricular septal defect 4. Last evaluated: 2023-11-27. Review status: criteria provided, single submitter. Criteria: Invitae Variant Classification Sherloc (09022015). Collection method: clinical testing. Allele origin: germline.
Comment: This sequence change replaces threonine, which is neutral and polar, with methionine, which is neutral and non-polar, at codon 280 of the GATA4 protein (p.Thr280Met). This variant is not present in population databases (gnomAD no frequency). This missense change has been observed in individual(s) with congenital heart disease (PMID: 20659440). It has also been observed to segregate with disease in related individuals. ClinVar contains an entry for this variant (Variation ID: 30108). Advanced modeling of protein sequence and biophysical properties (such as structural, functional, and spatial information, amino acid conservation, physicochemical variation, residue mobility, and thermodynamic stability) performed at Invitae indicates that this missense variant is expected to disrupt GATA4 protein function with a positive predictive value of 80%. Experimental studies have shown that this missense change affects GATA4 function (PMID: 23626780). In summary, the available evidence is currently insufficient to determine the role of this variant in disease. Therefore, it has been classified as a Variant of Uncertain Significance.

OMIM
Classification: Pathogenic for ATRIAL SEPTAL DEFECT 2. Last evaluated: 2010-11-11. Review status: no assertion criteria provided. Collection method: literature only. Allele origin: germline. Not counted in ClinVar's aggregate classification.

Literature cited by the submitters: PubMed 20659440 (cited by Labcorp Genetics (formerly Invitae), Labcorp and OMIM); PubMed 23626780 (cited by Labcorp Genetics (formerly Invitae), Labcorp).

NM_001308093.3(GATA4):c.842C>T (p.Thr281Met)

Gene: GATA4 (GATA binding protein 4). Cytogenetic location: 8p23.1.
Variant type: single nucleotide variant.
Coding change: c.842C>T on transcript NM_001308093.3 (MANE Select); coding-DNA position 842, C replaced by T.
Protein change: p.Thr281Met; replaces threonine 281 with methionine.
Molecular consequence: missense variant. On other transcripts: intron variant (1).
Genome position (GRCh38, 1-based): chr8:11,750,166, C>T. VCF-style: chr8-11750166-C-T. GRCh37 (hg19) VCF-style: chr8-11607675-C-T.
Other names: c.221C>T, p.Thr74Met (NM_001308094.2, NM_001374273.1); c.839C>T, p.Thr280Met (NM_002052.5); c.165+1081C>T (NM_001374274.1); short protein forms T280M, T74M, T281M.
Identifiers: ClinVar variation 30108 (VCV000030108.9), dbSNP rs387906771, ClinGen allele CA212675.